The following is an entry in ClinVar:

NM_201384.3(PLEC):c.1753G>T (p.Ala585Ser)

Gene: PLEC (plectin; minus strand). Cytogenetic location: 8q24.3.
Variant type: single nucleotide variant.
Coding change: c.1753G>T on transcript NM_201384.3 (MANE Select); coding-DNA position 1753, G replaced by T.
Protein change: p.Ala585Ser; replaces alanine 585 with serine.
Molecular consequence: missense variant.
Genome position (GRCh38, 1-based): chr8:143,932,697, C>A on the plus strand (G>T on the coding strand, the complement: PLEC is on the minus strand). VCF-style: chr8-143932697-C-A. GRCh37 (hg19) VCF-style: chr8-145006865-C-A.
Other names: c.1834G>T, p.Ala612Ser (NM_000445.5, NM_001410941.1); c.1711G>T, p.Ala571Ser (NM_201378.4); c.1687G>T, p.Ala563Ser (NM_201379.3); c.2164G>T, p.Ala722Ser (NM_201380.4); c.1657G>T, p.Ala553Ser (NM_201381.3); c.1753G>T, p.Ala585Ser (NM_201382.4); c.1765G>T, p.Ala589Ser (NM_201383.3); c.1834G>T (NM_000445.3); short protein forms A589S, A571S, A585S, A612S, A722S, A553S, A563S.
Identifiers: ClinVar variation 2921467 (VCV002921467.4), dbSNP rs368520468, ClinGen allele CA4927866.
Genomic context (GRCh38, chr8:143,932,697, plus strand): 5'-GCAGCTTGGCGTACTGCAGGTCCAGCCGACCCAGGCAGTCACGGTAGGCACCCCGGGTGG[C>A]GGGGGAGAGCTGGCCCTGCAACAGATGAGACGGTGAGGTCTGCAGTGGCTGGGCCCGGCC-3'
Protein context (NP_958786.1, residues 575-595): ARSDEGQLSP[Ala585Ser]TRGAYRDCLG

ClinVar aggregate classification (germline): Uncertain significance. Review status: criteria provided, multiple submitters, no conflicts (2 of 4 stars). 2 submissions from 2 submitters: Uncertain significance (2). Last evaluated 2025-12-09.

Conditions:
Epidermolysis bullosa simplex with nail dystrophy (EBS5D). Identifiers: MedGen C4225309, MONDO:0014661, OMIM 616487.
Epidermolysis bullosa simplex, Ogna type (EBS5A). Also called: EPIDERMOLYSIS BULLOSA SIMPLEX 5A, OGNA TYPE; Pidermolysis bullosa simplex 5A, Ogna type. Identifiers: Orphanet 79401, MedGen C0432317, MONDO:0007555, OMIM 131950.
Epidermolysis bullosa simplex 5C, with pyloric atresia (EBS5C). Also called: PLEC1-Related Epidermolysis Bullosa with Pyloric Atresia; PLEC-Related Epidermolysis Bullosa with Pyloric Atresia; Epidermolysis bullosa simplex with pyloric atresia. Identifiers: Orphanet 158684, MedGen C2677349, MONDO:0012807, OMIM 612138.
Autosomal recessive limb-girdle muscular dystrophy type 2Q (LGMDR17). Also called: MUSCULAR DYSTROPHY, LIMB-GIRDLE, AUTOSOMAL RECESSIVE 17. Identifiers: Orphanet 254361, MedGen C3150989, MONDO:0013390, OMIM 613723.
Epidermolysis bullosa simplex 5B, with muscular dystrophy (EBS5B). Also called: EPIDERMOLYSIS BULLOSA SIMPLEX AND LIMB-GIRDLE MUSCULAR DYSTROPHY; Epidermolysis bullosa simplex with muscular dystrophy. Identifiers: Orphanet 257, MedGen C2931072, MONDO:0009181, OMIM 226670.
Inborn genetic diseases. Identifiers: MedGen C0950123, MeSH D030342.

Allele frequency attached by ClinVar (database versions not stated): ExAC 0.00004.
gnomAD v4.1: 20 of 1,606,820 alleles (0.0012%); highest among the groups gnomAD compares: East Asian, 0.045%; no homozygotes.

Submissions (2):

Ambry Genetics
Classification: Uncertain significance for Inborn genetic diseases. Last evaluated: 2025-12-09. Review status: criteria provided, single submitter. Criteria: Ambry Variant Classification Scheme 2023. Collection method: clinical testing. Allele origin: germline.

Labcorp Genetics (formerly Invitae), Labcorp
Classification: Uncertain significance for Autosomal recessive limb-girdle muscular dystrophy type 2Q; Epidermolysis bullosa simplex, Ogna type; Epidermolysis bullosa simplex with nail dystrophy; Epidermolysis bullosa simplex 5C, with pyloric atresia; Epidermolysis bullosa simplex 5B, with muscular dystrophy. Last evaluated: 2023-08-28. Review status: criteria provided, single submitter. Criteria: Invitae Variant Classification Sherloc (09022015). Collection method: clinical testing. Allele origin: germline.
Comment: This variant has not been reported in the literature in individuals affected with PLEC-related conditions. The frequency data for this variant in the population databases is considered unreliable, as metrics indicate poor data quality at this position in the gnomAD database. This sequence change replaces alanine, which is neutral and non-polar, with serine, which is neutral and polar, at codon 612 of the PLEC protein (p.Ala612Ser). Experimental studies and prediction algorithms are not available or were not evaluated, and the functional significance of this variant is currently unknown. In summary, the available evidence is currently insufficient to determine the role of this variant in disease. Therefore, it has been classified as a Variant of Uncertain Significance.